The following is an entry in ClinVar:

ClinVar aggregate classification (germline): Uncertain significance (1 of 4 stars; one submission).

Conditions:
Neurodevelopmental disorder with or without hyperkinetic movements and seizures, autosomal dominant. Also called: Intellectual disability, autosomal dominant 8. Identifiers: MedGen C3280282, MONDO:0013655, OMIM 614254.

Submission:

Victorian Clinical Genetics Services, Murdoch Childrens Research Institute
Classification: Uncertain significance for Neurodevelopmental disorder with or without hyperkinetic movements and seizures, autosomal dominant. Last evaluated: 2020-05-25. Review status: criteria provided, single submitter. Criteria: ACMG Guidelines, 2015. Collection method: clinical testing. Allele origin: germline. Affected: yes.
Comment: Based on the classification scheme VCGS_Germline_v1.1.1, this variant is classified as 3C-VUS. Following criteria are met: 0102 - Loss-of-function and dominant negative are known mechanisms of disease for this gene. (N) 0108 - This gene is known to be associated with both recessive and dominant disease (OMIM). (N) 0200 - Variant is predicted to result in a missense amino acid change from a lysine to an arginine (exon 8). (N) 0251 - Variant is heterozygous. (N) 0301 - Variant is absent from gnomAD. (P) 0503 - Missense variant consistently predicted to be tolerated or not conserved in mammals with a minor amino acid change. (B) 0604 - Variant is not located in an established domain, motif, hotspot or informative constraint region. (N) 0705 - No comparable variants have previous evidence for pathogenicity. (N) 0807 - Variant has not previously been reported in a clinical context. (N) 0905 - No segregation evidence has been identified for this variant. (N) 1007 - No published functional evidence has been identified for this variant. (N) 1208 - Inheritance information for this variant is not currently available. (N) Legend: (P) - Pathogenic, (N) - Neutral, (B) - Benign

NM_007327.4(GRIN1):c.1163A>G (p.Lys388Arg)

Gene: GRIN1 (glutamate ionotropic receptor NMDA type subunit 1; plus strand). Cytogenetic location: 9q34.3.
Variant type: single nucleotide variant.
Coding change: c.1163A>G on transcript NM_007327.4 (MANE Select); coding-DNA position 1163, A replaced by G.
Protein change: p.Lys388Arg; replaces lysine 388 with arginine.
Molecular consequence: missense variant.
Genome position (GRCh38, 1-based): chr9:137,158,670, A>G. VCF-style: chr9-137158670-A-G. GRCh37 (hg19) VCF-style: chr9-140053122-A-G.
Other names: c.1163A>G, p.Lys388Arg (NM_000832.7, NM_021569.4); c.1226A>G, p.Lys409Arg (NM_001185090.2, NM_001185091.2); short protein forms K388R, K409R.
Identifiers: ClinVar variation 3377485 (VCV003377485.1).